The following is an entry in ClinVar:

NM_001077365.2(POMT1):c.1826-6C>A

Gene: POMT1 (protein O-mannosyltransferase 1; plus strand). Cytogenetic location: 9q34.13.
Variant type: single nucleotide variant.
Coding change: c.1826-6C>A on transcript NM_001077365.2 (MANE Select); 6 bases into the intron before coding-DNA position 1826, C replaced by A.
Molecular consequence: intron variant.
Genome position (GRCh38, 1-based): chr9:131,522,041, C>A. VCF-style: chr9-131522041-C-A. GRCh37 (hg19) VCF-style: chr9-134397428-C-A.
Other names: p.?; c.1730-6C>A (NM_001353198.2, NM_001353197.2); c.1892-6C>A (NM_001353193.2, NM_007171.4); c.1826-6C>A (NM_001136113.2); c.1664-6C>A (NM_001353194.2, NM_001077366.2); c.1475-6C>A (NM_001374691.1, NM_001353195.2, NM_001374692.1 and 2 more transcripts); c.1607-6C>A (NM_001374690.1); c.1736-6C>A (NM_001353196.2); and 4 more.
Identifiers: ClinVar variation 130009 (VCV000130009.55), dbSNP rs140258585, ClinGen allele CA154751.

ClinVar aggregate classification (germline): Benign/Likely benign. Review status: criteria provided, multiple submitters, no conflicts (2 of 4 stars). 11 submissions from 11 submitters: Benign (8); Likely benign (3). Last evaluated 2026-08-01.

Conditions:
Muscular dystrophy-dystroglycanopathy (congenital with impaired intellectual development), type B, 1. Also called: MUSCULAR DYSTROPHY, CONGENITAL, POMT1-RELATED; Muscular dystrophy-dystroglycanopathy (congenital with intellectual disability), type B1. Identifiers: MedGen C5436962, MONDO:0013159, OMIM 613155.
Autosomal recessive limb-girdle muscular dystrophy type 2K. Also called: MUSCULAR DYSTROPHY, LIMB-GIRDLE, TYPE 2K; MUSCULAR DYSTROPHY-DYSTROGLYCANOPATHY (LIMB-GIRDLE), TYPE C, 1. Identifiers: Orphanet 86812, MedGen C1836373, MONDO:0012248, OMIM 609308.
Walker-Warburg congenital muscular dystrophy. Also called: Muscular dystrophy-dystroglycanopathy, type A; Walker-Warburg syndrome. Identifiers: Orphanet 899, MedGen C0265221, MONDO:0000171.

Allele frequency attached by ClinVar (database versions not stated): 1000 Genomes Project 0.00280; 1000 Genomes Project 30x 0.00297; gnomAD exomes 0.00696 and 0.01132; ExAC 0.00699; gnomAD 0.00735 and 0.00816; TOPMed 0.00773; ESP Exome Variant Server 0.01061.
gnomAD v4.1: 17,628 of 1,614,002 alleles (1.1%); highest among the groups gnomAD compares: Non-Finnish European, 1.4%; 148 homozygotes.

Submissions 1 to 26 of 50:

CeGaT Center for Human Genetics Tuebingen
Classification: Benign. Last evaluated: 2026-08-01. Review status: criteria provided, single submitter. Criteria: CeGaT Center For Human Genetics Tuebingen Variant Classification Criteria Version 2. Collection method: clinical testing. Allele origin: germline. Affected: yes. Observed: 43 variant alleles.
Comment: POMT1: BP4, BS1, BS2

Mayo Clinic Laboratories, Mayo Clinic
Classification: Benign. Last evaluated: 2025-10-09. Review status: criteria provided, single submitter. Criteria: ACMG Guidelines, 2015. Collection method: clinical testing. Allele origin: germline. Observed: 6 variant alleles.
Comment: BA1, BS2, BP4, BP7

Blueprint Genetics
Classification: Likely benign. Last evaluated: 2024-11-27. Review status: criteria provided, single submitter. Criteria: ACMG Guidelines, 2015. Collection method: clinical testing. Allele origin: germline.

Labcorp Genetics (formerly Invitae), Labcorp
Classification: Benign for Congenital muscular dystrophy-dystroglycanopathy with mental retardation, type B1; Walker-Warburg congenital muscular dystrophy; Limb-girdle muscular dystrophy-dystroglycanopathy, type C1. Last evaluated: 2019-12-31. Review status: criteria provided, single submitter. Criteria: Invitae Variant Classification Sherloc (09022015). Collection method: clinical testing. Allele origin: germline.

Athena Diagnostics
Classification: Benign. Last evaluated: 2018-03-16. Review status: criteria provided, single submitter. Criteria: Athena Diagnostics Criteria. Collection method: clinical testing. Allele origin: germline.

Illumina Laboratory Services, Illumina
Classification: Likely benign for Autosomal recessive limb-girdle muscular dystrophy type 2K. Last evaluated: 2018-01-13. Review status: criteria provided, single submitter. Criteria: ICSL Variant Classification Criteria 13 December 2019. Collection method: clinical testing. Allele origin: germline.
Comment: This variant was observed in the ICSL laboratory as part of a predisposition screen in an ostensibly healthy population. It had not been previously curated by ICSL or reported in the Human Gene Mutation Database (HGMD: prior to June 1st, 2018), and was therefore a candidate for classification through an automated scoring system. Utilizing variant allele frequency, disease prevalence and penetrance estimates, and inheritance mode, an automated score was calculated to assess if this variant is too frequent to cause the disease. Based on the score and internal cut-off values, a variant classified as likely benign is not then subjected to further curation. The score for this variant resulted in a classification of likely benign for this disease.

GeneDx
Classification: Benign. Last evaluated: 2016-03-15. Review status: criteria provided, single submitter. Criteria: GeneDx Variant Classification (06012015). Collection method: clinical testing. Allele origin: germline. Affected: yes.
Comment: This variant is considered likely benign or benign based on one or more of the following criteria: it is a conservative change, it occurs at a poorly conserved position in the protein, it is predicted to be benign by multiple in silico algorithms, and/or has population frequency not consistent with disease.

Laboratory for Molecular Medicine, Mass General Brigham Personalized Medicine
Classification: Benign. Last evaluated: 2015-01-13. Review status: criteria provided, single submitter. Criteria: LMM Criteria. Collection method: clinical testing. Allele origin: germline. Observed: 1 variant allele.
Comment: c.1892-6C>A in intron 18 of POMT1: This variant is not expected to have clinical significance because it has been identified in 1.5% (125/8600) of European Amer ican chromosomes from a broad population by the NHLBI Exome Sequencing Project (dbSNP rs140258585).

Genetic Services Laboratory, University of Chicago
Classification: Benign for AllHighlyPenetrant. Last evaluated: 2013-09-30. Review status: criteria provided, single submitter. Criteria: ACMG Guidelines, 2007. Collection method: clinical testing. Allele origin: germline. Inheritance: Autosomal recessive inheritance.

Breakthrough Genomics
Classification: Likely benign. Review status: criteria provided, single submitter. Criteria: ACMG Guidelines, 2015. Collection method: not provided. Allele origin: germline. Inheritance: Autosomal recessive inheritance. Affected: yes.

PreventionGenetics, part of Exact Sciences
Classification: Benign. Review status: criteria provided, single submitter. Criteria: ACMG Guidelines, 2015. Collection method: clinical testing. Allele origin: germline.

Dr. Peter K. Rogan Lab, Western University
No classification provided (evidence only). Condition: Lung cancer. Review status: no classification provided. Collection method: in vitro. Allele origin: not applicable. Functional consequence: retained intron. Not counted in ClinVar's aggregate classification.

Dr. Peter K. Rogan Lab, Western University
No classification provided (evidence only). Condition: Lung cancer. Review status: no classification provided. Collection method: in vitro. Allele origin: not applicable. Functional consequence: retained intron. Not counted in ClinVar's aggregate classification.

Dr. Peter K. Rogan Lab, Western University
No classification provided (evidence only). Condition: Lung cancer. Review status: no classification provided. Collection method: in vitro. Allele origin: not applicable. Functional consequence: retained intron. Not counted in ClinVar's aggregate classification.

Dr. Peter K. Rogan Lab, Western University
No classification provided (evidence only). Condition: Lung cancer. Review status: no classification provided. Collection method: in vitro. Allele origin: not applicable. Functional consequence: skipped exon, retained intron. Not counted in ClinVar's aggregate classification.

Dr. Peter K. Rogan Lab, Western University
No classification provided (evidence only). Condition: Lung cancer. Review status: no classification provided. Collection method: in vitro. Allele origin: not applicable. Functional consequence: retained intron. Not counted in ClinVar's aggregate classification.

Dr. Peter K. Rogan Lab, Western University
No classification provided (evidence only). Condition: Lung cancer. Review status: no classification provided. Collection method: in vitro. Allele origin: not applicable. Functional consequence: skipped exon, retained intron. Not counted in ClinVar's aggregate classification.

Dr. Peter K. Rogan Lab, Western University
No classification provided (evidence only). Condition: Familial cancer of breast. Review status: no classification provided. Collection method: in vitro. Allele origin: not applicable. Functional consequence: retained intron. Not counted in ClinVar's aggregate classification.

Dr. Peter K. Rogan Lab, Western University
No classification provided (evidence only). Condition: Familial cancer of breast. Review status: no classification provided. Collection method: in vitro. Allele origin: not applicable. Functional consequence: retained intron. Not counted in ClinVar's aggregate classification.

Dr. Peter K. Rogan Lab, Western University
No classification provided (evidence only). Condition: Familial cancer of breast. Review status: no classification provided. Collection method: in vitro. Allele origin: not applicable. Functional consequence: retained intron. Not counted in ClinVar's aggregate classification.

Dr. Peter K. Rogan Lab, Western University
No classification provided (evidence only). Condition: Familial cancer of breast. Review status: no classification provided. Collection method: in vitro. Allele origin: not applicable. Functional consequence: skipped exon. Not counted in ClinVar's aggregate classification.

Dr. Peter K. Rogan Lab, Western University
No classification provided (evidence only). Condition: Familial cancer of breast. Review status: no classification provided. Collection method: in vitro. Allele origin: not applicable. Functional consequence: retained intron. Not counted in ClinVar's aggregate classification.

Dr. Peter K. Rogan Lab, Western University
No classification provided (evidence only). Condition: Acute myeloid leukemia. Review status: no classification provided. Collection method: in vitro. Allele origin: not applicable. Functional consequence: retained intron. Not counted in ClinVar's aggregate classification.

Dr. Peter K. Rogan Lab, Western University
No classification provided (evidence only). Condition: Acute myeloid leukemia. Review status: no classification provided. Collection method: in vitro. Allele origin: not applicable. Functional consequence: retained intron. Not counted in ClinVar's aggregate classification.

Dr. Peter K. Rogan Lab, Western University
No classification provided (evidence only). Condition: Acute myeloid leukemia. Review status: no classification provided. Collection method: in vitro. Allele origin: not applicable. Functional consequence: retained intron. Not counted in ClinVar's aggregate classification.

Dr. Peter K. Rogan Lab, Western University
No classification provided (evidence only). Condition: Acute myeloid leukemia. Review status: no classification provided. Collection method: in vitro. Allele origin: not applicable. Functional consequence: retained intron. Not counted in ClinVar's aggregate classification.